The following is an entry in ClinVar:

ClinVar aggregate classification (germline): Pathogenic/Likely pathogenic. Review status: criteria provided, multiple submitters, no conflicts (2 of 4 stars). 10 submissions from 10 submitters: Pathogenic (5); Likely pathogenic (4). 1 of the submissions does not count toward it. Last evaluated 2025-10-27.

Conditions:
TYR-related disorder. Also called: TYR-related condition.
Nonsyndromic Oculocutaneous Albinism.
Oculocutaneous albinism type 1A (OCA1A). Also called: Albinism, oculocutaneous, type IA. Identifiers: Orphanet 352731, Orphanet 79431, MedGen C4551504, MONDO:0008745, OMIM 203100. Disease mechanism: loss of function.
Oculocutaneous albinism type 1B (OCA1B). Also called: YELLOW ALBINISM; ALBINISM, YELLOW MUTANT TYPE; ALBINISM, OCULOCUTANEOUS, TYPE IB. Identifiers: Orphanet 352731, Orphanet 352737, Orphanet 79434, MedGen C1847024, MONDO:0011749, OMIM 606952.
SKIN/HAIR/EYE PIGMENTATION 3, LIGHT/DARK SKIN (SHEP3). Also called: SKIN/HAIR/EYE PIGMENTATION, VARIATION IN, 3; EYE COLOR 1; EYE COLOR, GREEN/BLUE; SKIN/HAIR/EYE PIGMENTATION 3, BLUE/GREEN EYE COLOR; SKIN/HAIR/EYE PIGMENTATION 3, FRECKLING. Identifiers: MedGen C2677190, OMIM 601800.
Abnormality of the skin. Identifiers: MedGen C5848159, HP:0000951.
Oculocutaneous albinism type 1. Also called: Albinism 1; ALBINISM I. Identifiers: Orphanet 352731, MedGen C0268494, MONDO:0018135. Disease mechanism: loss of function.
Oculocutaneous albinism. Identifiers: Orphanet 55, MedGen C0078918, MONDO:0018910.

gnomAD v4.1: 15 of 1,612,208 alleles (0.00093%); highest among the groups gnomAD compares: South Asian, 0.012%; no homozygotes.

Submissions (10):

Labcorp Genetics (formerly Invitae), Labcorp
Classification: Pathogenic. Last evaluated: 2025-10-27. Review status: criteria provided, single submitter. Criteria: Invitae Variant Classification Sherloc (09022015). Collection method: clinical testing. Allele origin: germline.
Comment: This sequence change replaces glycine, which is neutral and non-polar, with glutamic acid, which is acidic and polar, at codon 346 of the TYR protein (p.Gly346Glu). This variant is present in population databases (rs773970123, gnomAD 0.01%). This missense change has been observed in individuals with ocular albinism (PMID: 8026428, 25216246, 28266639, 31077556). ClinVar contains an entry for this variant (Variation ID: 617799). Invitae Evidence Modeling of protein sequence and biophysical properties (such as structural, functional, and spatial information, amino acid conservation, physicochemical variation, residue mobility, and thermodynamic stability) indicates that this missense variant is expected to disrupt TYR protein function with a positive predictive value of 95%. This variant disrupts the Gly346 amino acid residue in TYR. Other variant(s) that disrupt this residue have been determined to be pathogenic (PMID: 16098056, 32581362, 33800529). This suggests that this residue is clinically significant, and that variants that disrupt this residue are likely to be disease-causing. For these reasons, this variant has been classified as Pathogenic.

Department of Clinical Genetics, Copenhagen University Hospital, Rigshospitalet
Classification: Pathogenic for Oculocutaneous albinism type 1. Last evaluated: 2025-05-23. Review status: criteria provided, single submitter. Criteria: ACMG Guidelines, 2015. Collection method: clinical testing. Allele origin: germline.
Comment: The following ACMG criteria has been used: PS4, PM2_sup, PM3, PM5, PP3_str

Myriad Genetics, Inc.
Classification: Likely pathogenic for Oculocutaneous albinism type 1. Last evaluated: 2025-05-08. Review status: criteria provided, single submitter. Criteria: Myriad Autosomal Dominant, Autosomal Recessive and X-Linked Classification Criteria (2023). Collection method: clinical testing. Allele origin: unknown.
Comment: NM_000372.4(TYR):c.1037G>A(G346E) is a missense variant classified as likely pathogenic in the context of oculocutaneous albinism, TYR-related. G346E has been observed in cases with relevant disease (PMID: 38030918, 25216246, 31077556, 8026428). Relevant functional assessments of this variant are not available in the literature. G346E has been observed in referenced population frequency databases. In summary, NM_000372.4(TYR):c.1037G>A(G346E) is a missense variant that has been observed more frequently in cases with the relevant disease than in healthy populations. Please note: this variant was assessed in the context of healthy population screening.

Laboratory of Genetic Epidemiology, Research Centre for Medical Genetics
Classification: Likely pathogenic for Oculocutaneous albinism type 1A; Oculocutaneous albinism type 1B. Last evaluated: 2025-01-01. Review status: criteria provided, single submitter. Criteria: ACMG Guidelines, 2015. Collection method: clinical testing. Allele origin: maternal. Inheritance: Autosomal recessive inheritance. Affected: yes. Observed: 1 compound heterozygote.
Comment: The missense variant NM_000372.5:c.1037G>A, p.(Gly346Glu) was identified in heterozygous state in 19 probands diagnosed with albinism. This variant has been previously reported in the literature multiple times (PMIDs: 16098056, 25216246, 32581362) and is listed in gnomAD v3.1.2 with allele frequency 0.000006 (1/151904). The affected amino acid position is evolutionarily conserved, and multiple in silico prediction tools support a deleterious effect. The variant NM_000372.5:c.1037G>A, p.(Gly346Glu) was identified with significantly population frequency in the Russia by The National Genetic Initiative “100 000+Me” (0.0002; 17/85368) compared to other ethnic groups (GnomAD). Taken together, the variant meets the following ACMG/AMP criteria and can be classified as likely pathogenic with PM2, PP3, PM3, PP5, PP4 criteria.

Blueprint Genetics
Classification: Pathogenic for TYR-related disorders. Last evaluated: 2023-09-27. Review status: criteria provided, single submitter. Criteria: ACMG Guidelines, 2015. Collection method: clinical testing. Allele origin: germline. Affected: yes. Observed: 5 variant alleles.

Baylor Genetics
Classification: Pathogenic for SKIN/HAIR/EYE PIGMENTATION 3, LIGHT/DARK SKIN. Last evaluated: 2022-12-28. Review status: criteria provided, single submitter. Criteria: ACMG Guidelines, 2015. Collection method: clinical testing. Allele origin: unknown.

Victorian Clinical Genetics Services, Murdoch Childrens Research Institute
Classification: Pathogenic for Oculocutaneous albinism. Last evaluated: 2022-06-24. Review status: criteria provided, single submitter. Criteria: ACMG Guidelines, 2015. Collection method: clinical testing. Allele origin: germline. Inheritance: Autosomal recessive inheritance. Affected: no.
Comment: Based on the classification scheme VCGS_Germline_v1.3.4, this variant is classified as Pathogenic. Following criteria are met: 0102 - Loss of function is a known mechanism of disease in this gene and is associated with TYR-related oculocutaneous albinism (MIM#203100, MIM#606952). (I) 0106 - This gene is associated with autosomal recessive disease. (I) 0200 - Variant is predicted to result in a missense amino acid change from glycine to glutamic acid. (I) 0251 - This variant is heterozygous. (I) 0304 - Variant is present in gnomAD (v2) <0.01 for a recessive condition (3 heterozygotes, 0 homozygotes). (SP) 0309 - An alternative amino acid change at the same position has been observed in gnomAD (v2) (2 heterozygotes, 0 homozygotes). (I) 0501 - Missense variant consistently predicted to be damaging by multiple in silico tools or highly conserved with a major amino acid change. (SP) 0600 - Variant is located in the annotated tyrosinase domain (DECIPHER). (I) 0703 - Other missense variants comparable to the one identified in this case have moderate previous evidence for pathogenicity. These alternative changes (p.(Gly346Val) and p.(Gly346Arg)) have been reported as likely pathogenic or observed in a compound heterozygous individual with oculocutaneous albinism (OCA) (ClinVar, PMID: 16098056). (SP) 0801 - This variant has strong previous evidence of pathogenicity in unrelated individuals. This variant has been previously reported as likely pathogenic, and observed in multiple homozygous and compound heterozygous individuals with OCA (ClinVar, PMID: 28266639, PMID: 8026428, PMID: 25216246, PMID: 15937636, PMID: 31077556). (SP) 1208 - Inheritance information for this variant is not currently available in this individual. (I) Legend: (SP) - Supporting pathogenic, (I) - Information, (SB) - Supporting benign

Kariminejad - Najmabadi Pathology & Genetics Center
Classification: Likely pathogenic for Abnormality of the skin. Last evaluated: 2021-07-10. Review status: criteria provided, single submitter. Criteria: ACMG Guidelines, 2015. Collection method: clinical testing. Allele origin: germline. Affected: yes.

Foundation for Research in Genetics and Endocrinology, FRIGE's Institute of Human Genetics
Classification: Likely pathogenic for Oculocutaneous albinism type 1A; Oculocutaneous albinism type 1B. Last evaluated: 2019-06-21. Review status: criteria provided, single submitter. Criteria: ACMG Guidelines, 2015. Collection method: clinical testing. Allele origin: inherited. Inheritance: Autosomal recessive inheritance. Affected: yes. Observed: 1 heterozygote.
Comment: A heterozygous variant c.1037G>A (p.Gly346Glu) in exon-3 has been observed in the TYR gene. The variant has not been reported in the 1000 genomes database and has a minor allele frequency of 0.0008% and 0.007% in the ExAC databases. The in silico predictions of the variant are probably damaging by PolyPhen-2 (HumDiv), SIFT, LRT and MutationTaster2. In summary, the said variant meets our criteria to be classified as likely pathogenic based on the mode of inheritance, in silico prediction and allele frequency in population databases.

University of Washington Center for Mendelian Genomics, University of Washington
Classification: Likely pathogenic for Nonsyndromic Oculocutaneous Albinism. Last evaluated: 2017-03-07. Review status: no assertion criteria provided. Collection method: research. Allele origin: unknown. Affected: yes. Observed: 1 homozygote. Not counted in ClinVar's aggregate classification.

Literature cited by the submitters: PubMed 8026428 (cited by 4 submitters); PubMed 25216246 (cited by 4 submitters); PubMed 28266639 (cited by 4 submitters); PubMed 31077556 (cited by 3 submitters); PubMed 16098056 (cited by 3 submitters); PubMed 32581362 (cited by Labcorp Genetics (formerly Invitae), Labcorp and Laboratory of Genetic Epidemiology, Research Centre for Medical Genetics); PubMed 33800529 (cited by Labcorp Genetics (formerly Invitae), Labcorp); PubMed 38030918 (cited by Myriad Genetics, Inc.); PubMed 41428507 (cited by Laboratory of Genetic Epidemiology, Research Centre for Medical Genetics); PubMed 15937636 (cited by Victorian Clinical Genetics Services, Murdoch Childrens Research Institute).

NM_000372.5(TYR):c.1037G>A (p.Gly346Glu)

Gene: TYR (tyrosinase; plus strand). Cytogenetic location: 11q14.3.
Variant type: single nucleotide variant.
Coding change: c.1037G>A on transcript NM_000372.5 (MANE Select); coding-DNA position 1037, G replaced by A.
Protein change: p.Gly346Glu; replaces glycine 346 with glutamic acid.
Molecular consequence: missense variant.
Genome position (GRCh38, 1-based): chr11:89,227,823, G>A. VCF-style: chr11-89227823-G-A. GRCh37 (hg19) VCF-style: chr11-88960991-G-A.
Other names: short protein forms G346E.
Identifiers: ClinVar variation 617799 (VCV000617799.38), dbSNP rs773970123, ClinGen allele CA6221332.